The following is an entry in ClinVar:

NM_001130009.3(GEN1):c.322T>C (p.Ser108Pro)

Gene: GEN1 (GEN1 Holliday junction 5' flap endonuclease; plus strand). Cytogenetic location: 2p24.2.
Variant type: single nucleotide variant.
Coding change: c.322T>C on transcript NM_001130009.3 (MANE Select); coding-DNA position 322, T replaced by C.
Protein change: p.Ser108Pro; replaces serine 108 with proline.
Molecular consequence: missense variant.
Genome position (GRCh38, 1-based): chr2:17,761,556, T>C. VCF-style: chr2-17761556-T-C. GRCh37 (hg19) VCF-style: chr2-17942823-T-C.
Other names: c.322T>C, p.Ser108Pro (NM_182625.5); short protein forms S108P.
Identifiers: ClinVar variation 3853431 (VCV003853431.1).

ClinVar aggregate classification (germline): Uncertain significance (1 of 4 stars; one submission).

gnomAD v4.1: 3 of 1,610,314 alleles (0.00019%); highest among the groups gnomAD compares: Non-Finnish European, 0.00025%; no homozygotes.

Submission:

Ambry Genetics
Classification: Uncertain significance. Last evaluated: 2024-12-15. Review status: criteria provided, single submitter. Criteria: Ambry Variant Classification Scheme 2023. Collection method: clinical testing. Allele origin: germline.
Comment: The p.S108P variant (also known as c.322T>C), located in coding exon 2 of the GEN1 gene, results from a T to C substitution at nucleotide position 322. The serine at codon 108 is replaced by proline, an amino acid with similar properties. This amino acid position is conserved. In addition, this alteration is predicted to be tolerated by in silico analysis. Based on the available evidence, the clinical significance of this variant remains unclear.